The following is an entry in ClinVar:

ClinVar aggregate classification (germline): Uncertain significance (1 of 4 stars; one submission).

gnomAD v4.1: 2 of 1,505,722 alleles (0.00013%); highest among the groups gnomAD compares: Non-Finnish European, 0.00018%; no homozygotes.

Submission:

GeneDx
Classification: Uncertain significance. Last evaluated: 2024-12-23. Review status: criteria provided, single submitter. Criteria: GeneDx Variant Classification Process June 2021. Collection method: clinical testing. Allele origin: germline. Affected: yes.
Comment: Not observed at significant frequency in large population cohorts (gnomAD); In silico analysis indicates that this variant does not alter splicing; Has not been previously published as pathogenic or benign to our knowledge

NM_015295.3(SMCHD1):c.1956+3A>G

Gene: SMCHD1 (structural maintenance of chromosomes flexible hinge domain containing 1; plus strand). Cytogenetic location: 18p11.32.
Variant type: single nucleotide variant.
Coding change: c.1956+3A>G on transcript NM_015295.3 (MANE Select); 3 bases into the intron after coding-DNA position 1956, A replaced by G.
Molecular consequence: intron variant.
Genome position (GRCh38, 1-based): chr18:2,705,810, A>G. VCF-style: chr18-2705810-A-G. GRCh37 (hg19) VCF-style: chr18-2705808-A-G.
Identifiers: ClinVar variation 3906431 (VCV003906431.1).